The following is an entry in ClinVar:

ClinVar aggregate classification (germline): Likely pathogenic (1 of 4 stars; one submission).

Submission:

GeneDx
Classification: Likely pathogenic. Last evaluated: 2015-09-01. Review status: criteria provided, single submitter. Criteria: GeneDx Variant Classification (06012015). Collection method: clinical testing. Allele origin: germline. Affected: yes.
Comment: The E1261X likely pathogenic variant in the MYBPC3 gene has not been reported as a disease-causing variant or as a benign polymorphism to our knowledge. E1261X is predicted to cause loss of normal protein function by protein truncation, however the effect of deleting fourteen C-terminal amino acids is unknown. Other nonsense variants in the MYBPC3 gene have been reported in the Human Gene Mutation Database in association with cardiomyopathy (Stenson P et al., 2014), however only one is located downstream of E1261X. The E1261X variant was not observed in approximately 6,200 individuals of European and African American ancestry in the NHLBI Exome Sequencing Project, indicating it is not a common benign variant in these populations.Therefore, this variant is a strong candidate for a pathogenic variant, however the possibility that it is a benign variant cannot be excluded

NM_000256.3(MYBPC3):c.3781G>T (p.Glu1261Ter)

Gene: MYBPC3 (myosin binding protein C3; minus strand). Cytogenetic location: 11p11.2.
Variant type: single nucleotide variant.
Coding change: c.3781G>T on transcript NM_000256.3 (MANE Select); coding-DNA position 3781, G replaced by T.
Protein change: p.Glu1261Ter; replaces glutamic acid 1261 with a stop codon.
Molecular consequence: nonsense.
Genome position (GRCh38, 1-based): chr11:47,332,105, C>A on the plus strand (G>T on the coding strand, the complement: MYBPC3 is on the minus strand). VCF-style: chr11-47332105-C-A. GRCh37 (hg19) VCF-style: chr11-47353656-C-A.
Other names: c.3781G>T, p.Glu1261Ter (LRG_386t1); short protein forms E1261*.
Identifiers: ClinVar variation 427017 (VCV000427017.2), dbSNP rs730880141, ClinGen allele CA380310562.
Genomic context (GRCh38, chr11:47,332,105, plus strand): 5'-CAGGCCCTGGCCCCGAGGGCTCCTCACCTCGCACCTCCAGGCGGCACTCACACCGTGCCT[C>A]GCCCTGTAAGTTGGTGGCCCTGCAGACATAGATGCCCCCGTCAAAGGGGCAGGGCTTTCT-3'